The following is an entry in ClinVar:

NM_002887.4(RARS1):c.1165C>T (p.Leu389=)

Gene: RARS1 (arginyl-tRNA synthetase 1; plus strand). Cytogenetic location: 5q34.
Variant type: single nucleotide variant.
Coding change: c.1165C>T on transcript NM_002887.4 (MANE Select); coding-DNA position 1165, C replaced by T.
Protein change: p.Leu389=; no amino-acid change (leucine 389 retained).
Molecular consequence: synonymous variant.
Genome position (GRCh38, 1-based): chr5:168,506,128, C>T. VCF-style: chr5-168506128-C-T. GRCh37 (hg19) VCF-style: chr5-167933133-C-T.
Identifiers: ClinVar variation 1680424 (VCV001680424.21), dbSNP rs755452119, ClinGen allele CA3549829.

ClinVar aggregate classification (germline): Likely benign. Review status: criteria provided, multiple submitters, no conflicts (2 of 4 stars). 2 submissions from 2 submitters: Likely benign (2). Last evaluated 2025-01-01.

Allele frequency attached by ClinVar (database versions not stated): ExAC 0.00002; gnomAD 0.00002; gnomAD exomes 0.00002; TOPMed 0.00002.
gnomAD v4.1: 60 of 1,600,232 alleles (0.0037%); highest among the groups gnomAD compares: Non-Finnish European, 0.0049%; no homozygotes.

Submissions (2):

CeGaT Center for Human Genetics Tuebingen
Classification: Likely benign. Last evaluated: 2025-01-01. Review status: criteria provided, single submitter. Criteria: CeGaT Center For Human Genetics Tuebingen Variant Classification Criteria Version 2. Collection method: clinical testing. Allele origin: germline. Affected: yes. Observed: 1 variant allele.
Comment: RARS1: BP4, BP7

Labcorp Genetics (formerly Invitae), Labcorp
Classification: Likely benign. Last evaluated: 2021-06-23. Review status: criteria provided, single submitter. Criteria: Invitae Variant Classification Sherloc (09022015). Collection method: clinical testing. Allele origin: germline.